The following is an entry in ClinVar:

NM_000257.4(MYH7):c.1576A>G (p.Lys526Glu)

Gene: MYH7 (myosin heavy chain 7; minus strand). Cytogenetic location: 14q11.2.
Variant type: single nucleotide variant.
Coding change: c.1576A>G on transcript NM_000257.4 (MANE Select); coding-DNA position 1576, A replaced by G.
Protein change: p.Lys526Glu; replaces lysine 526 with glutamic acid.
Molecular consequence: missense variant.
Genome position (GRCh38, 1-based): chr14:23,428,502, T>C on the plus strand (A>G on the coding strand, the complement: MYH7 is on the minus strand). VCF-style: chr14-23428502-T-C. GRCh37 (hg19) VCF-style: chr14-23897711-T-C.
Other names: c.1576A>G, p.Lys526Glu (NM_001407004.1); short protein forms K526E.
Identifiers: ClinVar variation 2728352 (VCV002728352.3), dbSNP rs2502299792, ClinGen allele CA389050289.

ClinVar aggregate classification (germline): Uncertain significance (1 of 4 stars; one submission).

Conditions:
Hypertrophic cardiomyopathy. Also called: HYPERTROPHIC MYOCARDIOPATHY. Identifiers: Orphanet 217569, MedGen C0007194, MeSH D002312, MONDO:0005045, HP:0001639.

Submission:

Labcorp Genetics (formerly Invitae), Labcorp
Classification: Uncertain significance for Hypertrophic cardiomyopathy. Last evaluated: 2023-06-25. Review status: criteria provided, single submitter. Criteria: Invitae Variant Classification Sherloc (09022015). Collection method: clinical testing. Allele origin: germline.
Comment: This variant is not present in population databases (gnomAD no frequency). This variant has not been reported in the literature in individuals affected with MYH7-related conditions. An algorithm developed to predict the effect of missense changes on protein structure and function (PolyPhen-2) suggests that this variant is likely to be tolerated. In summary, the available evidence is currently insufficient to determine the role of this variant in disease. Therefore, it has been classified as a Variant of Uncertain Significance. This sequence change replaces lysine, which is basic and polar, with glutamic acid, which is acidic and polar, at codon 526 of the MYH7 protein (p.Lys526Glu).